The following is an entry in ClinVar:

ClinVar aggregate classification (germline): Uncertain significance. Review status: criteria provided, multiple submitters, no conflicts (2 of 4 stars). 2 submissions from 2 submitters: Uncertain significance (2). Last evaluated 2025-08-20.

Conditions:
NRAP-related disorder. Also called: NRAP-related condition.

gnomAD v4.1: 36 of 1,612,096 alleles (0.0022%); highest among the groups gnomAD compares: South Asian, 0.019%; 1 homozygote.

Submissions (2):

PreventionGenetics, part of Exact Sciences
Classification: Uncertain significance for NRAP-related condition. Last evaluated: 2025-08-20. Review status: criteria provided, single submitter. Criteria: ACMG Guidelines, 2015. Collection method: clinical testing. Allele origin: germline.
Comment: The NRAP c.3110G>A variant is predicted to result in the amino acid substitution p.Arg1037Gln. To our knowledge, this variant has not been reported in the literature. This variant is reported in 0.023% of alleles in individuals of South Asian descent in gnomAD. At this time, the clinical significance of this variant is uncertain due to the absence of conclusive functional and genetic evidence.

Blueprint Genetics
Classification: Uncertain significance. Last evaluated: 2024-11-01. Review status: criteria provided, single submitter. Criteria: ACMG Guidelines, 2015. Collection method: clinical testing. Allele origin: germline.

NM_198060.4(NRAP):c.3110G>A (p.Arg1037Gln)

Gene: NRAP (nebulin related anchoring protein; minus strand). Cytogenetic location: 10q25.3.
Variant type: single nucleotide variant.
Coding change: c.3110G>A on transcript NM_198060.4 (MANE Select); coding-DNA position 3110, G replaced by A.
Protein change: p.Arg1037Gln; replaces arginine 1037 with glutamine.
Molecular consequence: missense variant.
Genome position (GRCh38, 1-based): chr10:113,614,915, C>T on the plus strand (G>A on the coding strand, the complement: NRAP is on the minus strand). VCF-style: chr10-113614915-C-T. GRCh37 (hg19) VCF-style: chr10-115374674-C-T.
Other names: c.3110G>A, p.Arg1037Gln (NM_001261463.2); c.3002G>A, p.Arg1001Gln (NM_001322945.2); c.3005G>A, p.Arg1002Gln (NM_006175.5); c.3110G>A (NM_001261463.1); short protein forms R1001Q, R1002Q, R1037Q.
Identifiers: ClinVar variation 4909650 (VCV004909650.2).